The following is an entry in ClinVar:

NM_001145860.2(POP1):c.2792C>T (p.Pro931Leu)

Gene: POP1 (POP1 ribonuclease P/MRP subunit; plus strand). Cytogenetic location: 8q22.2.
Variant type: single nucleotide variant.
Coding change: c.2792C>T on transcript NM_001145860.2 (MANE Select); coding-DNA position 2792, C replaced by T.
Protein change: p.Pro931Leu; replaces proline 931 with leucine.
Molecular consequence: missense variant.
Genome position (GRCh38, 1-based): chr8:98,157,988, C>T. VCF-style: chr8-98157988-C-T. GRCh37 (hg19) VCF-style: chr8-99170216-C-T.
Other names: c.2792C>T, p.Pro931Leu (NM_001145861.2, NM_015029.3); c.2792C>T (NM_015029.2); short protein forms P931L.
Identifiers: ClinVar variation 1421054 (VCV001421054.5), dbSNP rs764384479, ClinGen allele CA4820904.

ClinVar aggregate classification (germline): Conflicting classifications of pathogenicity. Review status: criteria provided, conflicting classifications (1 of 4 stars). 2 submissions from 2 submitters: Uncertain significance (1); Likely benign (1). Last evaluated 2025-12-08.

Conditions:
Inborn genetic diseases. Identifiers: MedGen C0950123, MeSH D030342.

Allele frequency attached by ClinVar (database versions not stated): gnomAD 0.00003 and 0.00004; ExAC 0.00008; TOPMed 0.00009.
gnomAD v4.1: 86 of 1,612,960 alleles (0.0053%); highest among the groups gnomAD compares: Admixed American, 0.045%; 1 homozygote.

Submissions (2):

Labcorp Genetics (formerly Invitae), Labcorp
Classification: Uncertain significance. Last evaluated: 2025-12-08. Review status: criteria provided, single submitter. Criteria: Invitae Variant Classification Sherloc (09022015). Collection method: clinical testing. Allele origin: germline.
Comment: This sequence change replaces proline, which is neutral and non-polar, with leucine, which is neutral and non-polar, at codon 931 of the POP1 protein (p.Pro931Leu). This variant is present in population databases (rs764384479, gnomAD 0.07%). This variant has not been reported in the literature in individuals affected with POP1-related conditions. ClinVar contains an entry for this variant (Variation ID: 1421054). An algorithm developed to predict the effect of missense changes on protein structure and function outputs the following: PolyPhen-2: "Benign". The leucine amino acid residue is found in multiple mammalian species, which suggests that this missense change does not adversely affect protein function. In summary, the available evidence is currently insufficient to determine the role of this variant in disease. Therefore, it has been classified as a Variant of Uncertain Significance.

Ambry Genetics
Classification: Likely benign for Inborn genetic diseases. Last evaluated: 2024-01-29. Review status: criteria provided, single submitter. Criteria: Ambry Variant Classification Scheme 2023. Collection method: clinical testing. Allele origin: germline.